The following is an entry in ClinVar:

ClinVar aggregate classification (germline): Likely benign. Review status: criteria provided, multiple submitters, no conflicts (2 of 4 stars). 2 submissions from 2 submitters: Likely benign (2). Last evaluated 2025-11-26.

gnomAD v4.1: 28 of 1,614,078 alleles (0.0017%); highest among the groups gnomAD compares: Admixed American, 0.01%; no homozygotes.

Submissions (2):

Labcorp Genetics (formerly Invitae), Labcorp
Classification: Likely benign. Last evaluated: 2025-11-26. Review status: criteria provided, single submitter. Criteria: Invitae Variant Classification Sherloc (09022015). Collection method: clinical testing. Allele origin: germline.

Mayo Clinic Laboratories, Mayo Clinic
Classification: Likely benign. Last evaluated: 2025-08-07. Review status: criteria provided, single submitter. Criteria: ACMG Guidelines, 2015. Collection method: clinical testing. Allele origin: germline. Observed: 1 variant allele.
Comment: BP4, BP7

NM_003632.3(CNTNAP1):c.2922C>T (p.Cys974=)

Gene: CNTNAP1 (contactin associated protein 1; plus strand). Cytogenetic location: 17q21.2.
Variant type: single nucleotide variant.
Coding change: c.2922C>T on transcript NM_003632.3 (MANE Select); coding-DNA position 2922, C replaced by T.
Protein change: p.Cys974=; no amino-acid change (cysteine 974 retained).
Molecular consequence: synonymous variant.
Genome position (GRCh38, 1-based): chr17:42,693,466, C>T. VCF-style: chr17-42693466-C-T. GRCh37 (hg19) VCF-style: chr17-40845484-C-T.
Other names: p.Cys974=.
Identifiers: ClinVar variation 4684217 (VCV004684217.2).